The following is an entry in ClinVar:

ClinVar aggregate classification (germline): Likely benign. Review status: criteria provided, single submitter (1 of 4 stars). 2 submissions from 2 submitters: Likely benign (1). 1 of the submissions does not count toward it. Last evaluated 2025-10-23.

Conditions:
Predisposition to invasive fungal disease due to CARD9 deficiency (IMD103). Also called: Candidiasis, familial, 2, autosomal recessive; CARD9 IMMUNODEFICIENCY; IMMUNODEFICIENCY 103, SUSCEPTIBILITY TO FUNGAL INFECTIONS. Identifiers: Orphanet 457088, MedGen C1859353, MONDO:0008905, OMIM 212050.
CARD9-related disorder. Also called: CARD9-related condition.

Allele frequency attached by ClinVar (database versions not stated): gnomAD 0.00001 and 0.00003; gnomAD exomes 0.00002; ExAC 0.00003; TOPMed 0.00006.
gnomAD v4.1: 34 of 1,599,914 alleles (0.0021%); highest among the groups gnomAD compares: African/African-American, 0.015%; no homozygotes.

Submissions (2):

Labcorp Genetics (formerly Invitae), Labcorp
Classification: Likely benign for Predisposition to invasive fungal disease due to CARD9 deficiency. Last evaluated: 2025-10-23. Review status: criteria provided, single submitter. Criteria: Invitae Variant Classification Sherloc (09022015). Collection method: clinical testing. Allele origin: germline.

PreventionGenetics, part of Exact Sciences
Classification: Likely benign for CARD9-related condition. Last evaluated: 2019-12-18. Review status: no assertion criteria provided. Collection method: clinical testing. Allele origin: germline. Not counted in ClinVar's aggregate classification.
Comment: This variant is classified as likely benign based on ACMG/AMP sequence variant interpretation guidelines (Richards et al. 2015 PMID: 25741868, with internal and published modifications).

NM_052813.5(CARD9):c.807+8C>T

Gene: CARD9 (caspase recruitment domain family member 9; minus strand). Cytogenetic location: 9q34.3.
Variant type: single nucleotide variant.
Coding change: c.807+8C>T on transcript NM_052813.5 (MANE Select); 8 bases into the intron after coding-DNA position 807, C replaced by T.
Molecular consequence: intron variant.
Genome position (GRCh38, 1-based): chr9:136,370,514, G>A on the plus strand (C>T on the coding strand, the complement: CARD9 is on the minus strand). VCF-style: chr9-136370514-G-A. GRCh37 (hg19) VCF-style: chr9-139264966-G-A.
Other names: c.807+8C>T (NM_052814.4).
Identifiers: ClinVar variation 796062 (VCV000796062.13), dbSNP rs372934669, ClinGen allele CA5332978.